The following is an entry in ClinVar:

ClinVar aggregate classification (germline): Pathogenic. Review status: no assertion criteria provided (0 of 4 stars). 2 submissions from 2 submitters: Pathogenic (2). Last evaluated 2013-08-29.

Conditions:
Holoprosencephaly 3 (HPE3). Identifiers: Orphanet 2162, MedGen C1840529, MONDO:0007733, OMIM 142945.

Submissions (2):

GeneReviews
Classification: Pathogenic for Holoprosencephaly. Last evaluated: 2013-08-29. Review status: no assertion criteria provided. Collection method: curation. Allele origin: unknown.
ClinVar note: Converted during submission from pathologic to Pathogenic.

OMIM
Classification: Pathogenic for HOLOPROSENCEPHALY 3. Last evaluated: 1999-12-01. Review status: no assertion criteria provided. Collection method: literature only. Allele origin: germline.

Literature cited by the submitters: PubMed 10556296 (cited by OMIM).

NM_000193.4(SHH):c.766G>T (p.Glu256Ter)

Gene: SHH (sonic hedgehog signaling molecule; minus strand). Cytogenetic location: 7q36.3.
Variant type: single nucleotide variant.
Coding change: c.766G>T on transcript NM_000193.4 (MANE Select); coding-DNA position 766, G replaced by T.
Protein change: p.Glu256Ter; replaces glutamic acid 256 with a stop codon.
Molecular consequence: nonsense. On other transcripts: intron variant (1).
Genome position (GRCh38, 1-based): chr7:155,803,523, C>A on the plus strand (G>T on the coding strand, the complement: SHH is on the minus strand). VCF-style: chr7-155803523-C-A. GRCh37 (hg19) VCF-style: chr7-155596217-C-A.
Other names: c.766G>T; c.301+2773G>T (NM_001310462.2); short protein forms E256*.
Identifiers: ClinVar variation 8893 (VCV000008893.3), dbSNP rs104894051, ClinGen allele CA340844.